The following is an entry in ClinVar:

NM_001112741.2(KCNC1):c.1382C>T (p.Pro461Leu)

Gene: KCNC1 (potassium voltage-gated channel subfamily C member 1; plus strand). Cytogenetic location: 11p15.1.
Variant type: single nucleotide variant.
Coding change: c.1382C>T on transcript NM_001112741.2 (MANE Select); coding-DNA position 1382, C replaced by T.
Protein change: p.Pro461Leu; replaces proline 461 with leucine.
Molecular consequence: missense variant.
Genome position (GRCh38, 1-based): chr11:17,772,476, C>T. VCF-style: chr11-17772476-C-T. GRCh37 (hg19) VCF-style: chr11-17794023-C-T.
Other names: c.1382C>T, p.Pro461Leu (NM_004976.4); short protein forms P461L.
Identifiers: ClinVar variation 3721137 (VCV003721137.2).

ClinVar aggregate classification (germline): Uncertain significance (1 of 4 stars; one submission).

Conditions:
Progressive myoclonic epilepsy type 7. Identifiers: Orphanet 435438, MedGen C4015420, MONDO:0014521, OMIM 616187.

Submission:

Labcorp Genetics (formerly Invitae), Labcorp
Classification: Uncertain significance for Progressive myoclonic epilepsy type 7. Last evaluated: 2024-08-29. Review status: criteria provided, single submitter. Criteria: Invitae Variant Classification Sherloc (09022015). Collection method: clinical testing. Allele origin: germline.
Comment: This sequence change replaces proline, which is neutral and non-polar, with leucine, which is neutral and non-polar, at codon 461 of the KCNC1 protein (p.Pro461Leu). This variant is present in population databases (rs762153589, gnomAD 0.003%). This variant has not been reported in the literature in individuals affected with KCNC1-related conditions. Invitae Evidence Modeling of protein sequence and biophysical properties (such as structural, functional, and spatial information, amino acid conservation, physicochemical variation, residue mobility, and thermodynamic stability) indicates that this missense variant is not expected to disrupt KCNC1 protein function with a negative predictive value of 80%. In summary, the available evidence is currently insufficient to determine the role of this variant in disease. Therefore, it has been classified as a Variant of Uncertain Significance.